The following is an entry in ClinVar:

ClinVar aggregate classification (germline): Uncertain significance (1 of 4 stars; one submission).

Conditions:
Autosomal recessive limb-girdle muscular dystrophy type 2J (LGMDR10). Also called: Limb-girdle muscular dystrophy, type 2J; MUSCULAR DYSTROPHY, LIMB-GIRDLE, AUTOSOMAL RECESSIVE 10. Identifiers: Orphanet 140922, MedGen C1837342, MONDO:0012127, OMIM 608807.
Dilated cardiomyopathy 1G (CMD1G). Identifiers: Orphanet 154, MedGen C1858763, MONDO:0011400, OMIM 604145.

Submission:

Labcorp Genetics (formerly Invitae), Labcorp
Classification: Uncertain significance for Dilated cardiomyopathy 1G; Autosomal recessive limb-girdle muscular dystrophy type 2J. Last evaluated: 2017-10-23. Review status: criteria provided, single submitter. Criteria: Invitae Variant Classification Sherloc (09022015). Collection method: clinical testing. Allele origin: germline.
Comment: This sequence change replaces asparagine with isoleucine at codon 33971 of the TTN protein (p.Asn33971Ile). The asparagine residue is highly conserved and there is a large physicochemical difference between asparagine and isoleucine. This variant is not present in population databases (ExAC no frequency). This variant has not been reported in the literature in individuals with TTN-related disease. In summary, the available evidence is currently insufficient to determine the role of this variant in disease. Therefore, it has been classified as a Variant of Uncertain Significance. This variant identified in the TTN gene is located in the M band of the resulting protein (PMID: 25589632). It is unclear how this variant impacts the function of this protein. Algorithms developed to predict the effect of missense changes on protein structure and function are unavailable for the TTN gene.

Literature cited by the submitters: PubMed 25589632.

NM_001267550.2(TTN):c.101912A>T (p.Asn33971Ile)

Genes: TTN (titin; minus strand), TTN-AS1 (TTN antisense RNA 1; plus strand). Cytogenetic location: 2q31.2.
Variant type: single nucleotide variant.
Coding change: c.101912A>T on transcript NM_001267550.2 (MANE Select); coding-DNA position 101912, A replaced by T.
Protein change: p.Asn33971Ile; replaces asparagine 33971 with isoleucine.
Molecular consequence: missense variant.
Genome position (GRCh38, 1-based): chr2:178,534,703, T>A on the plus strand (A>T on the coding strand, the complement: TTN is on the minus strand). VCF-style: chr2-178534703-T-A. GRCh37 (hg19) VCF-style: chr2-179399430-T-A.
Other names: c.96989A>T, p.Asn32330Ile (NM_001256850.1); c.74717A>T, p.Asn24906Ile (NM_003319.4); c.94208A>T, p.Asn31403Ile (NM_133378.4); c.75092A>T, p.Asn25031Ile (NM_133432.3); c.75293A>T, p.Asn25098Ile (NM_133437.4); short protein forms N33971I, N24906I, N25031I, N25098I, N32330I, N31403I.
Identifiers: ClinVar variation 534985 (VCV000534985.7), dbSNP rs1553497184, ClinGen allele CA349418974.
Genomic context (GRCh38, chr2:178,534,703, plus strand): 5'-ACATCATGCTGGTGGACTTCAGGTGCATAGTATTCTGGGGCAGTGAATAGAAGCCTGAAG[T>A]TGTCCCCTGGTTTCAGCTGACGGGCTTGACCAAATTCTATGATTTTAATGGTAGAGCTTC-3'
Protein context (NP_001254479.2, residues 33961-33981): GQARQLKPGD[Asn33971Ile]FRLLFTAPEY